The following is an entry in ClinVar:

ClinVar aggregate classification (germline): Benign/Likely benign. Review status: criteria provided, multiple submitters, no conflicts (2 of 4 stars). 10 submissions from 8 submitters: Benign (7); Likely benign (1). 2 of the submissions do not count toward it. Last evaluated 2026-02-04.

Conditions:
Congenital factor V deficiency. Also called: LABILE FACTOR DEFICIENCY; OWREN PARAHEMOPHILIA; PARAHEMOPHILIA; Hereditary factor V deficiency disease. Identifiers: Orphanet 326, MedGen C0015499, MONDO:0009210, OMIM 227400.
Thrombophilia due to thrombin defect (THPH1). Also called: Thrombosis susceptibility; THROMBOPHILIA DUE TO FACTOR 2 DEFECT; Prothrombin-Related Thrombophilia (Factor II); Prothrombin Thrombophilia. Identifiers: MedGen C3160733, MONDO:0008559, OMIM 188050. Disease mechanism: gain of function, loss of function.
Budd-Chiari syndrome (BDCHS). Also called: Hepatic vein obstruction. Identifiers: Orphanet 131, MedGen C0856761, MONDO:0010947, OMIM 600880, HP:0002639.
Factor V deficiency. Also called: Reduced coagulation factor V activity. Identifiers: Orphanet 326, MedGen C4317320, MONDO:0020586, HP:0003225.

Allele frequency attached by ClinVar (database versions not stated): ESP Exome Variant Server 0.20541; TOPMed 0.22285; 1000 Genomes Project 30x 0.22455; gnomAD 0.22486 and 0.23157; 1000 Genomes Project 0.22644; gnomAD exomes 0.29078; ExAC 0.31354.
gnomAD v4.1: 408,412 of 1,507,572 alleles (27%); highest among the groups gnomAD compares: Admixed American, 39%; 58,939 homozygotes.

Submissions (10):

Labcorp Genetics (formerly Invitae), Labcorp
Classification: Benign for Congenital factor V deficiency. Last evaluated: 2026-02-04. Review status: criteria provided, single submitter. Criteria: Invitae Variant Classification Sherloc (09022015). Collection method: clinical testing. Allele origin: germline.

Mayo Clinic Laboratories, Mayo Clinic
Classification: Benign. Last evaluated: 2022-12-12. Review status: criteria provided, single submitter. Criteria: ACMG Guidelines, 2015. Collection method: clinical testing. Allele origin: germline. Observed: 108 variant alleles.
Comment: BA1, BS1, BS2, BP4, BP6, BP7

GeneDx
Classification: Benign. Last evaluated: 2021-05-04. Review status: criteria provided, single submitter. Criteria: GeneDx Variant Classification Process June 2021. Collection method: clinical testing. Allele origin: germline. Affected: yes.

Illumina Laboratory Services, Illumina
Classification: Benign for Budd-Chiari syndrome. Last evaluated: 2018-01-13. Review status: criteria provided, single submitter. Criteria: ICSL Variant Classification Criteria 13 December 2019. Collection method: clinical testing. Allele origin: germline.
Comment: This variant was observed in the ICSL laboratory as part of a predisposition screen in an ostensibly healthy population. It had not been previously curated by ICSL or reported in the Human Gene Mutation Database (HGMD: prior to June 1st, 2018), and was therefore a candidate for classification through an automated scoring system. Utilizing variant allele frequency, disease prevalence and penetrance estimates, and inheritance mode, an automated score was calculated to assess if this variant is too frequent to cause the disease. Based on the score and internal cut-off values, a variant classified as benign is not then subjected to further curation. The score for this variant resulted in a classification of benign for this disease.

Illumina Laboratory Services, Illumina
Classification: Benign for Venous thrombosis. Last evaluated: 2018-01-13. Review status: criteria provided, single submitter. Criteria: ICSL Variant Classification Criteria 13 December 2019. Collection method: clinical testing. Allele origin: germline.
Comment: the same text as in the submission from Illumina Laboratory Services, Illumina above.

Illumina Laboratory Services, Illumina
Classification: Benign for Congenital factor V deficiency. Last evaluated: 2018-01-13. Review status: criteria provided, single submitter. Criteria: ICSL Variant Classification Criteria 13 December 2019. Collection method: clinical testing. Allele origin: germline.
Comment: the same text as in the submission from Illumina Laboratory Services, Illumina above.

Breakthrough Genomics
Classification: Likely benign. Review status: criteria provided, single submitter. Criteria: ACMG Guidelines, 2015. Collection method: not provided. Allele origin: germline. Inheritance: Autosomal recessive inheritance. Affected: yes.

PreventionGenetics, part of Exact Sciences
Classification: Benign. Review status: criteria provided, single submitter. Criteria: ACMG Guidelines, 2015. Collection method: clinical testing. Allele origin: germline.

Diagnostic Laboratory, Department of Genetics, University Medical Center Groningen
Classification: Benign. Review status: no assertion criteria provided. Collection method: clinical testing. Allele origin: germline. Affected: yes. Study: VKGL Data-share Consensus. Not counted in ClinVar's aggregate classification.

Joint Genome Diagnostic Labs from Nijmegen and Maastricht, Radboudumc and MUMC+
Classification: Benign. Review status: no assertion criteria provided. Collection method: clinical testing. Allele origin: germline. Affected: yes. Study: VKGL Data-share Consensus. Not counted in ClinVar's aggregate classification.

NM_000130.5(F5):c.237A>G (p.Gln79=)

Gene: F5 (coagulation factor V; minus strand). Cytogenetic location: 1q24.2.
Variant type: single nucleotide variant.
Coding change: c.237A>G on transcript NM_000130.5 (MANE Select); coding-DNA position 237, A replaced by G.
Protein change: p.Gln79=; no amino-acid change (glutamine 79 retained).
Molecular consequence: synonymous variant.
Genome position (GRCh38, 1-based): chr1:169,582,444, T>C on the plus strand (A>G on the coding strand, the complement: F5 is on the minus strand). VCF-style: chr1-169582444-T-C. GRCh37 (hg19) VCF-style: chr1-169551682-T-C.
Other names: p.Gln79=.
Identifiers: ClinVar variation 255197 (VCV000255197.18), dbSNP rs6028, ClinGen allele CA1234696.
Genomic context (GRCh38, chr1:169,582,444, plus strand): 5'-CCATAGAAATTTATCTTTAAAATTAAAAAAGTATATTTCAGGCTTACCTGAAATGGTAGA[T>C]TGTGGTTTTTCTTTCTTAAAATATGGTTCATACTCTCTGTAGACAATTTTCTTAAAGGAA-3'
Protein context (NP_000121.2, residues 69-89): YEPYFKKEKP[Gln79=]STISGLLGPT